The following is an entry in ClinVar:

NM_174936.4(PCSK9):c.1863+4A>C

Gene: PCSK9 (proprotein convertase subtilisin/kexin type 9; plus strand). Cytogenetic location: 1p32.3.
Variant type: single nucleotide variant.
Coding change: c.1863+4A>C on transcript NM_174936.4 (MANE Select); 4 bases into the intron after coding-DNA position 1863, A replaced by C.
Molecular consequence: intron variant.
Genome position (GRCh38, 1-based): chr1:55,061,560, A>C. VCF-style: chr1-55061560-A-C. GRCh37 (hg19) VCF-style: chr1-55527233-A-C.
Other names: c.1488+4A>C (NM_001407246.1); c.1986+4A>C (NM_001407240.1); c.1866+4A>C (NM_001407242.1); c.1905+4A>C (NM_001407241.1); c.1689+4A>C (NM_001407244.1); c.1362+4A>C (NM_001407247.1); c.1806+4A>C (NM_001407243.1); c.1671+4A>C (NM_001407245.1).
Identifiers: ClinVar variation 4758007 (VCV004758007.1).

ClinVar aggregate classification (germline): Uncertain significance (1 of 4 stars; one submission).

Conditions:
Familial hypercholesterolemia. Also called: Familial hypercholesterolaemia. Identifiers: MedGen C0020445, MONDO:0005439.

gnomAD v4.1: 1 of 1,591,366 alleles (0.000063%); highest among the groups gnomAD compares: Non-Finnish European, 0.000086%; no homozygotes.

Submission:

Color Diagnostics, LLC DBA Color Health
Classification: Uncertain significance for Familial hypercholesterolemia. Last evaluated: 2025-08-30. Review status: criteria provided, single submitter. Criteria: ACMG Guidelines, 2015. Collection method: clinical testing. Allele origin: germline.
Comment: This variant causes an A to C nucleotide substitution at the +4 position of intron 11 of the PCSK9 gene. To our knowledge, functional studies have not been reported for this variant. This variant has not been reported in individuals affected with PCSK9-related disorders in the literature. This variant has not been identified in the general population by the Genome Aggregation Database (gnomAD). The available evidence is insufficient to determine the role of this variant in disease conclusively. Therefore, this variant is classified as a Variant of Uncertain Significance.